The following is an entry in ClinVar:

NM_021120.4(DLG3):c.1415G>A (p.Arg472His)

Gene: DLG3 (discs large MAGUK scaffold protein 3; plus strand). Cytogenetic location: Xq13.1.
Variant type: single nucleotide variant.
Coding change: c.1415G>A on transcript NM_021120.4 (MANE Select); coding-DNA position 1415, G replaced by A.
Protein change: p.Arg472His; replaces arginine 472 with histidine.
Molecular consequence: missense variant. On other transcripts: 5 prime UTR variant (1).
Genome position (GRCh38, 1-based): chrX:70,479,159, G>A. VCF-style: chrX-70479159-G-A. GRCh37 (hg19) VCF-style: chrX-69699009-G-A.
Other names: c.-35G>A (NM_001166278.2); c.404G>A, p.Arg135His (NM_020730.3); short protein forms R135H, R472H.
Identifiers: ClinVar variation 3770146 (VCV003770146.2).

ClinVar aggregate classification (germline): Uncertain significance. Review status: criteria provided, multiple submitters, no conflicts (2 of 4 stars). 2 submissions from 2 submitters: Uncertain significance (2). Last evaluated 2025-01-31.

Conditions:
Intellectual developmental disorder, X-linked 90. Also called: DLG3-Related X-Linked Nonsyndromic Mental Retardation; Intellectual disability, X-linked 90. Identifiers: Orphanet 777, MedGen C3275443, MONDO:0010452, OMIM 300850.

gnomAD v4.1: 8 of 1,205,405 alleles (0.00066%); highest among the groups gnomAD compares: East Asian, 0.0059%; no homozygotes.

Submissions (2):

Equipe Genetique des Anomalies du Developpement, Université de Bourgogne
Classification: Uncertain significance for Intellectual developmental disorder, X-linked 90. Last evaluated: 2025-01-31. Review status: criteria provided, single submitter. Criteria: ACMG Guidelines, 2015. Collection method: curation. Allele origin: germline. Affected: yes.
Comment: Literature review. This variant is a missense which replaces an arginine with an histidine at position 472. Hemizygous pathogenic variants in DLG3 are reported in an autosomal dominant intellectual disability (OMIM #300850). This variant is present in 2 male individuals in the population database gnomAD (v4.1.0). It has not been reported in ClinVar and was reported in the literature (PMID:38249294). In silico prediction scores are inconclusive. Based on these evidences, the variant was classified as of uncertain significance.

Blueprint Genetics
Classification: Uncertain significance. Last evaluated: 2020-10-20. Review status: criteria provided, single submitter. Criteria: ACMG Guidelines, 2015. Collection method: clinical testing. Allele origin: germline.

Literature cited by the submitters: PubMed 38249294 (cited by Equipe Genetique des Anomalies du Developpement, Université de Bourgogne).